The following is an entry in ClinVar:

ClinVar aggregate classification (germline): Uncertain significance (1 of 4 stars; one submission).

Allele frequency attached by ClinVar (database versions not stated): gnomAD exomes below 0.00001.
gnomAD v4.1: 2 of 1,613,986 alleles (0.00012%); highest among the groups gnomAD compares: Admixed American, 0.0033%; no homozygotes.

Submission:

Labcorp Genetics (formerly Invitae), Labcorp
Classification: Uncertain significance. Last evaluated: 2023-10-17. Review status: criteria provided, single submitter. Criteria: Invitae Variant Classification Sherloc (09022015). Collection method: clinical testing. Allele origin: germline.
Comment: This sequence change replaces histidine, which is basic and polar, with arginine, which is basic and polar, at codon 340 of the LAMB1 protein (p.His340Arg). This variant is not present in population databases (gnomAD no frequency). This variant has not been reported in the literature in individuals affected with LAMB1-related conditions. An algorithm developed to predict the effect of missense changes on protein structure and function (PolyPhen-2) suggests that this variant is likely to be disruptive. In summary, the available evidence is currently insufficient to determine the role of this variant in disease. Therefore, it has been classified as a Variant of Uncertain Significance.

NM_002291.3(LAMB1):c.1019A>G (p.His340Arg)

Gene: LAMB1 (laminin subunit beta 1; minus strand). Cytogenetic location: 7q31.1.
Variant type: single nucleotide variant.
Coding change: c.1019A>G on transcript NM_002291.3 (MANE Select); coding-DNA position 1019, A replaced by G.
Protein change: p.His340Arg; replaces histidine 340 with arginine.
Molecular consequence: missense variant.
Genome position (GRCh38, 1-based): chr7:107,975,859, T>C on the plus strand (A>G on the coding strand, the complement: LAMB1 is on the minus strand). VCF-style: chr7-107975859-T-C. GRCh37 (hg19) VCF-style: chr7-107616304-T-C.
Other names: short protein forms H340R.
Identifiers: ClinVar variation 3001038 (VCV003001038.3), dbSNP rs2535487121, ClinGen allele CA368878272.
Genomic context (GRCh38, chr7:107,975,859, plus strand): 5'-CCTCCGCTGACGTTCCCCGTGGCCAGGTAAACAGCCATGTCAAAGTGACAAGAGATGGAA[T>C]GTTCATTGCAGTTACATTCTGCGTGACAAGAGCAACGTCAAGAAAAGCTTTTTAAATCTA-3'
Protein context (NP_002282.2, residues 330-350): NACKKCNCNE[His340Arg]SISCHFDMAV